The following is an entry in ClinVar:

NM_213655.5(WNK1):c.3164A>T (p.His1055Leu)

Gene: WNK1 (WNK lysine deficient protein kinase 1; plus strand). Cytogenetic location: 12p13.33.
Variant type: single nucleotide variant.
Coding change: c.3164A>T on transcript NM_213655.5 (MANE Plus Clinical); coding-DNA position 3164, A replaced by T.
Protein change: p.His1055Leu; replaces histidine 1055 with leucine.
Molecular consequence: missense variant. On other transcripts: intron variant (2).
Genome position (GRCh38, 1-based): chr12:868,635, A>T. VCF-style: chr12-868635-A-T. GRCh37 (hg19) VCF-style: chr12-977801-A-T.
Other names: c.2909A>T, p.His970Leu (NM_001184985.2); c.2140-2630A>T (NM_018979.4, NM_014823.3); short protein forms H970L, H1055L.
Identifiers: ClinVar variation 1517075 (VCV001517075.8), dbSNP rs1308031641, ClinGen allele CA383341344.
Genomic context (GRCh38, chr12:868,635, plus strand): 5'-CTGCGCCTGCTGTGTTAACTCATAACAATGAGAGCAGAAGCAACTGTGTATTTGAATTTC[A>T]TGTTCACACACCAAGCTCCTCTTCAGGAGAAGGAGGTGGAATTTTACCTCAGCGTGTTTA-3'
Protein context (NP_998820.3, residues 1045-1065): ESRSNCVFEF[His1055Leu]VHTPSSSSGE

ClinVar aggregate classification (germline): Uncertain significance (1 of 4 stars; one submission).

Conditions:
Neuropathy, hereditary sensory and autonomic, type 2A (HSAN2A). Also called: HSAN IIA; ACROOSTEOLYSIS, GIACCAI TYPE; ACROOSTEOLYSIS, NEUROGENIC; MORVAN DISEASE; NEUROPATHY, CONGENITAL SENSORY; NEUROPATHY, HEREDITARY SENSORY RADICULAR, AUTOSOMAL RECESSIVE. Identifiers: Orphanet 970, MedGen C2752089, MONDO:0024309, OMIM 201300.
Pseudohypoaldosteronism type 2C (PHA2C). Also called: Pseudohypoaldosteronism Type IIC. Identifiers: Orphanet 757, Orphanet 88940, MedGen C1840391, MONDO:0013778, OMIM 614492.

Submission:

Labcorp Genetics (formerly Invitae), Labcorp
Classification: Uncertain significance for Neuropathy, hereditary sensory and autonomic, type 2A; Pseudohypoaldosteronism type 2C. Last evaluated: 2021-03-25. Review status: criteria provided, single submitter. Criteria: Invitae Variant Classification Sherloc (09022015). Collection method: clinical testing. Allele origin: germline.
Comment: In summary, the available evidence is currently insufficient to determine the role of this variant in disease. Therefore, it has been classified as a Variant of Uncertain Significance. Advanced modeling of protein sequence and biophysical properties (such as structural, functional, and spatial information, amino acid conservation, physicochemical variation, residue mobility, and thermodynamic stability) performed at Invitae indicates that this missense variant is not expected to disrupt WNK1 protein function. This variant has not been reported in the literature in individuals with WNK1-related conditions. This variant is not present in population databases (ExAC no frequency). This sequence change replaces histidine with leucine at codon 1055 of the WNK1 protein (p.His1055Leu). The histidine residue is weakly conserved and there is a moderate physicochemical difference between histidine and leucine.